The following is an entry in ClinVar:

ClinVar aggregate classification (germline): Likely benign (1 of 4 stars; one submission).

Allele frequency attached by ClinVar (database versions not stated): gnomAD 0.00027.
gnomAD v4.1: 271 of 1,609,706 alleles (0.017%); highest among the groups gnomAD compares: African/African-American, 0.021%; no homozygotes.

Submission:

CeGaT Center for Human Genetics Tuebingen
Classification: Likely benign. Last evaluated: 2023-01-01. Review status: criteria provided, single submitter. Criteria: CeGaT Center For Human Genetics Tuebingen Variant Classification Criteria Version 2. Collection method: clinical testing. Allele origin: germline. Affected: yes. Observed: 1 variant allele.
Comment: PITPNM1: BP4, BP7

NM_004910.3(PITPNM1):c.2967C>A (p.Arg989=)

Gene: PITPNM1 (phosphatidylinositol transfer protein membrane associated 1; minus strand). Cytogenetic location: 11q13.2.
Variant type: single nucleotide variant.
Coding change: c.2967C>A on transcript NM_004910.3 (MANE Select); coding-DNA position 2967, C replaced by A.
Protein change: p.Arg989=; no amino-acid change (arginine 989 retained).
Molecular consequence: synonymous variant.
Genome position (GRCh38, 1-based): chr11:67,493,963, G>T on the plus strand (C>A on the coding strand, the complement: PITPNM1 is on the minus strand). VCF-style: chr11-67493963-G-T. GRCh37 (hg19) VCF-style: chr11-67261434-G-T.
Other names: c.2964C>A, p.Arg988= (NM_001130848.2).
Identifiers: ClinVar variation 2642023 (VCV002642023.24), dbSNP rs762721774, ClinGen allele CA6141232.